The following is an entry in ClinVar:

NM_004006.3(DMD):c.6614+3294G>A

Gene: DMD (dystrophin; minus strand). Cytogenetic location: Xp21.1.
Variant type: single nucleotide variant.
Coding change: c.6614+3294G>A on transcript NM_004006.3 (MANE Select); 3294 bases into the intron after coding-DNA position 6614, G replaced by A.
Molecular consequence: intron variant.
Genome position (GRCh38, 1-based): chrX:31,965,045, C>T on the plus strand (G>A on the coding strand, the complement: DMD is on the minus strand). VCF-style: chrX-31965045-C-T. GRCh37 (hg19) VCF-style: chrX-31983162-C-T.
Other names: c.6590+3294G>A (NM_000109.4); c.2591+3294G>A (NM_004011.4); c.2582+3294G>A (NM_004012.4); c.-767+3294G>A (NM_004023.3, NM_004020.4, NM_004022.3 and 2 more transcripts); c.6602+3294G>A (NM_004009.3); c.6245+3294G>A (NM_004010.3).
Identifiers: ClinVar variation 137104 (VCV000137104.3), dbSNP rs5972467, ClinGen allele CA290618.

ClinVar aggregate classification (germline): Benign. Review status: criteria provided, multiple submitters, no conflicts (2 of 4 stars). 3 submissions from 3 submitters: Benign (2). 1 of the submissions does not count toward it. Last evaluated 2024-11-28.

Conditions:
Dystrophin deficiency.
Cardiomyopathy (CMYO). Also called: Cardiomyopathies. Identifiers: Orphanet 167848, MedGen C0878544, MONDO:0004994, HP:0001638. Inheritance: Various modes of inheritance.
Duchenne muscular dystrophy (DMD). Also called: Duchenne Muscular Dystrophy (DMD); MUSCULAR DYSTROPHY, PSEUDOHYPERTROPHIC PROGRESSIVE, DUCHENNE TYPE. Identifiers: Orphanet 98896, MedGen C0013264, MONDO:0010679, OMIM 310200.
Becker muscular dystrophy (BMD). Also called: Becker Muscular Dystrophy (BMD); MUSCULAR DYSTROPHY, PSEUDOHYPERTROPHIC PROGRESSIVE, BECKER TYPE. Identifiers: Orphanet 98895, MedGen C0917713, MONDO:0010311, OMIM 300376.

Allele frequency attached by ClinVar (database versions not stated): gnomAD 0.12147 and 0.12913; TOPMed 0.12555; 1000 Genomes Project 30x 0.18751; 1000 Genomes Project 0.18993.
gnomAD v4.1: 14,387 of 110,933 alleles (13%); highest among the groups gnomAD compares: East Asian, 33%; 925 homozygotes.

Submissions (3):

Blueprint Genetics
Classification: Benign. Last evaluated: 2024-11-28. Review status: criteria provided, single submitter. Criteria: ACMG Guidelines, 2015. Collection method: clinical testing. Allele origin: germline.

GeneDx
Classification: Benign. Last evaluated: 2013-10-14. Review status: criteria provided, single submitter. Criteria: GeneDx Variant Classification (06012015). Collection method: clinical testing. Allele origin: germline. Affected: yes.
Comment: This variant is considered likely benign or benign based on one or more of the following criteria: it is a conservative change, it occurs at a poorly conserved position in the protein, it is predicted to be benign by multiple in silico algorithms, and/or has population frequency not consistent with disease.

Natera, Inc.
Classification: Benign for Becker muscular dystrophy; Cardiomyopathy; Duchenne muscular dystrophy; Dystrophin deficiency. Last evaluated: 2017-04-20. Review status: no assertion criteria provided. Collection method: clinical testing. Allele origin: germline. Not counted in ClinVar's aggregate classification.